The following is an entry in ClinVar:

NM_002109.6(HARS1):c.943_944delinsTT (p.Asp315Phe)

Gene: HARS1 (histidyl-tRNA synthetase 1; minus strand). Cytogenetic location: 5q31.3.
Variant type: Indel.
Coding change: c.943_944delinsTT on transcript NM_002109.6 (MANE Select); coding-DNA positions 943 to 944, GA replaced by TT.
Protein change: p.Asp315Phe; replaces aspartic acid 315 with phenylalanine.
Molecular consequence: missense variant.
Genome position (GRCh38, 1-based): chr5:140,676,996-140,676,997, TC replaced by AA on the plus strand (GA replaced by TT on the coding strand, the reverse complement: HARS1 is on the minus strand). VCF-style: chr5-140676996-TC-AA. GRCh37 (hg19) VCF-style: chr5-140056581-TC-AA.
Other names: c.823_824delinsTT, p.Asp275Phe (NM_001258040.3); c.883_884delinsTT, p.Asp295Phe (NM_001258041.3); c.763_764delinsTT, p.Asp255Phe (NM_001258042.3); c.721_722delinsTT, p.Asp241Phe (NM_001289092.2); c.601_602delinsTT, p.Asp201Phe (NM_001289093.2); c.856_857delinsTT, p.Asp286Phe (NM_001289094.2); short protein forms D241F, D286F, D201F, D255F, D315F, D275F, D295F.
Identifiers: ClinVar variation 1979172 (VCV001979172.4), dbSNP rs2481249042, ClinGen allele CA2580073023.
Genomic context (GRCh38, chr5:140,676,996, plus strand): 5'-AGGGACCTGAAGCCCCAGAGCTCAGAAGGGATCCCGTCCCCAACTTGACTCACTTTGTCA[TC>AA]AATGCCAAATAGGGTCAGGTACTCAAAGAGCAACTTCAGGTCTCCCAGGCCCTCCAAGGC-3'
Protein context (NP_002100.2, residues 305-325): LFEYLTLFGI[Asp315Phe]DKISFDLSLA

ClinVar aggregate classification (germline): Uncertain significance (1 of 4 stars; one submission).

Conditions:
Usher syndrome type 3B. Also called: USHER SYNDROME, TYPE IIIB. Identifiers: MedGen C3281066, MONDO:0013788, OMIM 614504.

Submission:

Labcorp Genetics (formerly Invitae), Labcorp
Classification: Uncertain significance for Usher syndrome type 3B. Last evaluated: 2022-02-25. Review status: criteria provided, single submitter. Criteria: Invitae Variant Classification Sherloc (09022015). Collection method: clinical testing. Allele origin: germline.
Comment: Information on the frequency of this variant in the gnomAD database is not available, as this variant may be reported differently in the database. In summary, the available evidence is currently insufficient to determine the role of this variant in disease. Therefore, it has been classified as a Variant of Uncertain Significance. Algorithms developed to predict the effect of missense changes on protein structure and function are either unavailable or do not agree on the potential impact of this missense change (SIFT: "Not Available"; PolyPhen-2: "Benign"; Align-GVGD: "Not Available"). This variant has not been reported in the literature in individuals affected with HARS-related conditions. This variant, c.943_944delinsTT, is a complex sequence change that results in the deletion of 1 and insertion of 1 amino acid(s) in the HARS protein (p.Asp315Phe).